The following is an entry in ClinVar:

ClinVar aggregate classification (germline): Uncertain significance (1 of 4 stars; one submission).

Conditions:
Inborn genetic diseases. Identifiers: MedGen C0950123, MeSH D030342.

Submission:

Ambry Genetics
Classification: Uncertain significance for Inborn genetic diseases. Last evaluated: 2024-11-15. Review status: criteria provided, single submitter. Criteria: Ambry Variant Classification Scheme 2023. Collection method: clinical testing. Allele origin: germline.
Comment: The p.T856R variant (also known as c.2567C>G), located in coding exon 20 of the LRRK2 gene, results from a C to G substitution at nucleotide position 2567. The threonine at codon 856 is replaced by arginine, an amino acid with similar properties. This amino acid position is conserved. In addition, this alteration is predicted to be tolerated by in silico analysis. Based on the available evidence, the clinical significance of this variant remains unclear.

NM_198578.4(LRRK2):c.2567C>G (p.Thr856Arg)

Gene: LRRK2 (leucine rich repeat kinase 2; plus strand). Cytogenetic location: 12q12.
Variant type: single nucleotide variant.
Coding change: c.2567C>G on transcript NM_198578.4 (MANE Select); coding-DNA position 2567, C replaced by G.
Protein change: p.Thr856Arg; replaces threonine 856 with arginine.
Molecular consequence: missense variant.
Genome position (GRCh38, 1-based): chr12:40,287,417, C>G. VCF-style: chr12-40287417-C-G. GRCh37 (hg19) VCF-style: chr12-40681219-C-G.
Other names: short protein forms T856R.
Identifiers: ClinVar variation 3540783 (VCV003540783.1).
Genomic context (GRCh38, chr12:40,287,417, plus strand): 5'-CATCTACACTAGCAAGAATGGTGATCAGATATCAGATGAAAAGTGCTGTGGAAGAAGGAA[C>G]AGCCTCAGGCAGCGATGGAAATTTTTCTGAAGATGTGCTGTCTAAATTTGATGAATGGAC-3'
Protein context (NP_940980.4, residues 846-866): YQMKSAVEEG[Thr856Arg]ASGSDGNFSE